The following is an entry in ClinVar:

NM_003978.5(PSTPIP1):c.1115C>A (p.Ala372Glu)

Gene: PSTPIP1 (proline-serine-threonine phosphatase interacting protein 1; plus strand). Cytogenetic location: 15q24.3.
Variant type: single nucleotide variant.
Coding change: c.1115C>A on transcript NM_003978.5 (MANE Select); coding-DNA position 1115, C replaced by A.
Protein change: p.Ala372Glu; replaces alanine 372 with glutamic acid.
Molecular consequence: missense variant. On other transcripts: non-coding transcript variant (1).
Genome position (GRCh38, 1-based): chr15:77,035,931, C>A. VCF-style: chr15-77035931-C-A. GRCh37 (hg19) VCF-style: chr15-77328272-C-A.
Other names: c.1058C>A, p.Ala353Glu (NM_001321135.2); c.1088C>A, p.Ala363Glu (NM_001321136.2); c.1310C>A, p.Ala437Glu (NM_001321137.1); short protein forms A353E, A363E, A372E, A437E.
Identifiers: ClinVar variation 1193334 (VCV001193334.2), dbSNP rs200188483, ClinGen allele CA393521899.
Genomic context (GRCh38, chr15:77,035,931, plus strand): 5'-AGATACAGGGAAACCCGGCCTCACCAGCCCAGGAGTACCGGGCGCTCTACGATTATACAG[C>A]GCAGGTGAGGCCTCTATACCCCAAACCCACCTGTGCCACCTCCCCTGCACCTGAGAGCTC-3'
Protein context (NP_003969.2, residues 362-382): QEYRALYDYT[Ala372Glu]QNPDELDLSA

ClinVar aggregate classification (germline): Uncertain significance (1 of 4 stars; one submission).

gnomAD v4.1: 2 of 1,599,732 alleles (0.00013%); highest among the groups gnomAD compares: Admixed American, 0.0017%; no homozygotes.

Submission:

GeneDx
Classification: Uncertain significance. Last evaluated: 2019-07-18. Review status: criteria provided, single submitter. Criteria: GeneDx Variant Classification Process June 2021. Collection method: clinical testing. Allele origin: germline. Affected: yes.
Comment: Not observed in large population cohorts (Lek et al., 2016); In silico analysis, which includes protein predictors and evolutionary conservation, supports a deleterious effect; Has not been previously published as pathogenic or benign to our knowledge